The following is an entry in ClinVar:

NM_001376.5(DYNC1H1):c.7125C>A (p.Phe2375Leu)

Gene: DYNC1H1 (dynein cytoplasmic 1 heavy chain 1; plus strand). Cytogenetic location: 14q32.31.
Variant type: single nucleotide variant.
Coding change: c.7125C>A on transcript NM_001376.5 (MANE Select); coding-DNA position 7125, C replaced by A.
Protein change: p.Phe2375Leu; replaces phenylalanine 2375 with leucine.
Molecular consequence: missense variant.
Genome position (GRCh38, 1-based): chr14:102,015,215, C>A. VCF-style: chr14-102015215-C-A. GRCh37 (hg19) VCF-style: chr14-102481552-C-A.
Other names: short protein forms F2375L.
Identifiers: ClinVar variation 2747246 (VCV002747246.4), dbSNP rs1419349257, ClinGen allele CA391060163.

ClinVar aggregate classification (germline): Uncertain significance. Review status: criteria provided, multiple submitters, no conflicts (2 of 4 stars). 2 submissions from 2 submitters: Uncertain significance (2). Last evaluated 2023-04-09.

Conditions:
Charcot-Marie-Tooth disease axonal type 2O. Also called: CHARCOT-MARIE-TOOTH NEUROPATHY, AXONAL, TYPE 2O; CHARCOT-MARIE-TOOTH DISEASE, AXONAL, AUTOSOMAL DOMINANT, TYPE 2O; Charcot-Marie-Tooth Neuropathy Type 2O; Charcot-Marie-Tooth disease, axonal, type 20. Identifiers: Orphanet 284232, MedGen C3280220, MONDO:0013644, OMIM 614228.

Submissions (2):

Labcorp Genetics (formerly Invitae), Labcorp
Classification: Uncertain significance for Charcot-Marie-Tooth disease axonal type 2O. Last evaluated: 2023-04-09. Review status: criteria provided, single submitter. Criteria: Invitae Variant Classification Sherloc (09022015). Collection method: clinical testing. Allele origin: germline.
Comment: In summary, the available evidence is currently insufficient to determine the role of this variant in disease. Therefore, it has been classified as a Variant of Uncertain Significance. Advanced modeling of protein sequence and biophysical properties (such as structural, functional, and spatial information, amino acid conservation, physicochemical variation, residue mobility, and thermodynamic stability) performed at Invitae indicates that this missense variant is not expected to disrupt DYNC1H1 protein function. This variant has not been reported in the literature in individuals affected with DYNC1H1-related conditions. This variant is not present in population databases (gnomAD no frequency). This sequence change replaces phenylalanine, which is neutral and non-polar, with leucine, which is neutral and non-polar, at codon 2375 of the DYNC1H1 protein (p.Phe2375Leu).

Blueprint Genetics
Classification: Uncertain significance. Last evaluated: 2021-12-29. Review status: criteria provided, single submitter. Criteria: ACMG Guidelines, 2015. Collection method: clinical testing. Allele origin: germline.